The following is an entry in ClinVar:

NM_001267550.2(TTN):c.3100+5G>A

Gene: TTN (titin; minus strand). Cytogenetic location: 2q31.2.
Variant type: single nucleotide variant.
Coding change: c.3100+5G>A on transcript NM_001267550.2 (MANE Select); 5 bases into the intron after coding-DNA position 3100, G replaced by A.
Molecular consequence: intron variant.
Genome position (GRCh38, 1-based): chr2:178,782,801, C>T on the plus strand (G>A on the coding strand, the complement: TTN is on the minus strand). VCF-style: chr2-178782801-C-T. GRCh37 (hg19) VCF-style: chr2-179647528-C-T.
Other names: c.2962+5G>A (NM_003319.4, NM_133437.4, NM_133432.3); c.3100+5G>A (NM_133378.4, NM_001256850.1, NM_133379.5).
Identifiers: ClinVar variation 202417 (VCV000202417.14), dbSNP rs794729294, ClinGen allele CA309348.

ClinVar aggregate classification (germline): Uncertain significance. Review status: criteria provided, multiple submitters, no conflicts (2 of 4 stars). 2 submissions from 2 submitters: Uncertain significance (2). Last evaluated 2025-03-13.

Conditions:
Dilated cardiomyopathy 1G (CMD1G). Identifiers: Orphanet 154, MedGen C1858763, MONDO:0011400, OMIM 604145.
Autosomal recessive limb-girdle muscular dystrophy type 2J (LGMDR10). Also called: MUSCULAR DYSTROPHY, LIMB-GIRDLE, AUTOSOMAL RECESSIVE 10; Limb-girdle muscular dystrophy, type 2J. Identifiers: Orphanet 140922, MedGen C1837342, MONDO:0012127, OMIM 608807.

Submissions (2):

Labcorp Genetics (formerly Invitae), Labcorp
Classification: Uncertain significance for Dilated cardiomyopathy 1G; Autosomal recessive limb-girdle muscular dystrophy type 2J. Last evaluated: 2025-03-13. Review status: criteria provided, single submitter. Criteria: Invitae Variant Classification Sherloc (09022015). Collection method: clinical testing. Allele origin: germline.
Comment: This sequence change falls in intron 18 of the TTN gene. It does not directly change the encoded amino acid sequence of the TTN protein. It affects a nucleotide within the consensus splice site. This variant is not present in population databases (gnomAD no frequency). This variant has not been reported in the literature in individuals affected with TTN-related conditions. ClinVar contains an entry for this variant (Variation ID: 202417). Variants that disrupt the consensus splice site are a relatively common cause of aberrant splicing (PMID: 17576681, 9536098). Algorithms developed to predict the effect of sequence changes on RNA splicing suggest that this variant may disrupt the consensus splice site. This variant is located in the Z band of TTN (PMID: 25589632). Non-truncating variants in this region may be clinically relevant, but have not been definitively shown to cause cardiomyopathy or neuromuscular disease (PMID: 27493940, 32778822). In summary, the available evidence is currently insufficient to determine the role of this variant in disease. Therefore, it has been classified as a Variant of Uncertain Significance.

GeneDx
Classification: Uncertain significance. Last evaluated: 2016-07-19. Review status: criteria provided, single submitter. Criteria: GeneDx Variant Classification (06012015). Collection method: clinical testing. Allele origin: germline. Affected: yes.
Comment: The c.3100+5 G>A variant has not been reported as a disease-causing mutation or as a benign polymorphism to our knowledge, however this variant is expected to destroy the canonical splice donor site in intron 18 and is predicted to cause abnormal gene splicing. Other truncating variants in the TTN gene have been reported in approximately 3% of reported control alleles (Herman et al., 2012). Furthermore, c.3100+5 G>A is not located in the A-band region of titin, where the majority of truncating mutations associated with DCM have been reported (Herman et al., 2012).

Literature cited by the submitters: PubMed 17576681 (cited by Labcorp Genetics (formerly Invitae), Labcorp); PubMed 9536098 (cited by Labcorp Genetics (formerly Invitae), Labcorp); PubMed 25589632 (cited by Labcorp Genetics (formerly Invitae), Labcorp); PubMed 27493940 (cited by Labcorp Genetics (formerly Invitae), Labcorp); PubMed 32778822 (cited by Labcorp Genetics (formerly Invitae), Labcorp).